The following is an entry in ClinVar:

GRCh38/hg38 16p13.3(chr16:22769-32412)x1

Gene: WASIR2 (WASH and IL9R antisense RNA 2; plus strand). Cytogenetic location: 16p13.3.
Variant type: copy number loss.
Change: copy number 1 (one copy instead of two) of chr16:22,769-32,412 (9.6 kb, GRCh38 coordinates, 1-based), cytogenetic band 16p13.3.
Identifiers: ClinVar variation 145044 (VCV000145044.1).

ClinVar aggregate classification (germline): Benign/Likely benign (0 of 4 stars; one submission).

Submission:

GeneDx
Classification: Benign/Likely benign. Last evaluated: 2011-04-30. Review status: no assertion criteria provided. Collection method: clinical testing. Allele origin: not provided. Affected: yes. Observed: 27 variant alleles. Clinical features observed: Developmental delay AND/OR other significant developmental or morphological phenotypes.
Comment: Likely benign (1), Benign (32)